The following is an entry in ClinVar:

ClinVar aggregate classification (germline): Uncertain significance. Review status: criteria provided, multiple submitters, no conflicts (2 of 4 stars). 3 submissions from 3 submitters: Uncertain significance (3). Last evaluated 2023-11-25.

Conditions:
Hereditary cancer-predisposing syndrome. Also called: Neoplastic Syndromes, Hereditary; Hereditary Cancer Syndrome; Tumor predisposition; Hereditary neoplastic syndrome. Identifiers: Orphanet 140162, MedGen C0027672, MeSH D009386, MONDO:0015356.
Neuroblastoma, susceptibility to, 3. Also called: ALK-Related Neuroblastic Tumor Susceptibility. Identifiers: Orphanet 635, MedGen C2751681, MONDO:0013083, OMIM 613014.

Allele frequency attached by ClinVar (database versions not stated): gnomAD exomes below 0.00001.
gnomAD v4.1: 1 of 1,614,142 alleles (0.000062%); highest among the groups gnomAD compares: Non-Finnish European, 0.000085%; no homozygotes.

Submissions (3):

GeneDx
Classification: Uncertain significance. Last evaluated: 2023-11-25. Review status: criteria provided, single submitter. Criteria: GeneDx Variant Classification Process June 2021. Collection method: clinical testing. Allele origin: germline. Affected: yes.
Comment: Not observed at significant frequency in large population cohorts (gnomAD); In silico analysis supports that this missense variant does not alter protein structure/function; Has not been previously published as pathogenic or benign to our knowledge

Ambry Genetics
Classification: Uncertain significance for Hereditary cancer-predisposing syndrome. Last evaluated: 2023-04-07. Review status: criteria provided, single submitter. Criteria: Ambry Variant Classification Scheme 2023. Collection method: clinical testing. Allele origin: germline.
Comment: The p.K643N variant (also known as c.1929G>T), located in coding exon 11 of the ALK gene, results from a G to T substitution at nucleotide position 1929. The lysine at codon 643 is replaced by asparagine, an amino acid with similar properties. This amino acid position is conserved. In addition, this alteration is predicted to be tolerated by in silico analysis. Since supporting evidence is limited at this time, the clinical significance of this alteration remains unclear.

Labcorp Genetics (formerly Invitae), Labcorp
Classification: Uncertain significance for Neuroblastoma, susceptibility to, 3. Last evaluated: 2022-11-20. Review status: criteria provided, single submitter. Criteria: Invitae Variant Classification Sherloc (09022015). Collection method: clinical testing. Allele origin: germline.
Comment: In summary, the available evidence is currently insufficient to determine the role of this variant in disease. Therefore, it has been classified as a Variant of Uncertain Significance. Algorithms developed to predict the effect of missense changes on protein structure and function are either unavailable or do not agree on the potential impact of this missense change (SIFT: "Deleterious"; PolyPhen-2: "Benign"; Align-GVGD: "Class C0"). This variant has not been reported in the literature in individuals affected with ALK-related conditions. This variant is not present in population databases (gnomAD no frequency). This sequence change replaces lysine, which is basic and polar, with asparagine, which is neutral and polar, at codon 643 of the ALK protein (p.Lys643Asn).

NM_004304.5(ALK):c.1929G>T (p.Lys643Asn)

Gene: ALK (ALK receptor tyrosine kinase; minus strand). Cytogenetic location: 2p23.2.
Variant type: single nucleotide variant.
Coding change: c.1929G>T on transcript NM_004304.5 (MANE Select); coding-DNA position 1929, G replaced by T.
Protein change: p.Lys643Asn; replaces lysine 643 with asparagine.
Molecular consequence: missense variant.
Genome position (GRCh38, 1-based): chr2:29,275,211, C>A on the plus strand (G>T on the coding strand, the complement: ALK is on the minus strand). VCF-style: chr2-29275211-C-A. GRCh37 (hg19) VCF-style: chr2-29498077-C-A.
Other names: short protein forms K643N.
Identifiers: ClinVar variation 2566569 (VCV002566569.6), dbSNP rs1665502934, ClinGen allele CA346479797.